The following is an entry in ClinVar:

ClinVar aggregate classification (germline): Likely pathogenic (1 of 4 stars; one submission).

Conditions:
Cohen syndrome (COH1). Also called: PEPPER SYNDROME; Cutis verticis gyrata, retinitis pigmentosa, and sensorineural deafness. Identifiers: Orphanet 193, MedGen C0265223, MONDO:0008999, OMIM 216550.

Submission:

Natera, Inc.
Classification: Likely pathogenic for Cohen syndrome. Last evaluated: 2024-05-06. Review status: criteria provided, single submitter. Criteria: Natera Variant Classification Schema (03/2026). Collection method: clinical testing. Allele origin: germline.
Comment: The c.11821delG variant in VPS13B is a frameshift variant predicted to shift the reading frame and introduce a stop codon. This variant is expected to result in nonsense mediated decay, truncation, or a dysfunctional protein product. This variant is rare in the general population with a frequency below the threshold expected for the associated phenotype(s). Given the available evidence, this variant is classified as Likely Pathogenic.

NM_017890.4(VPS13B):c.11821delG

Gene: VPS13B (vacuolar protein sorting 13 homolog B; plus strand). Cytogenetic location: 8q22.2.
Variant type: Deletion.
Coding change: c.11821delG on transcript NM_017890.4; coding-DNA position 11821, one base deleted (G).
Genome position (GRCh38, 1-based): chr8:99,875,418, G deleted; the last of 2 consecutive G bases (chr8:99,875,417-99,875,418); deleting either gives the same sequence. VCF-style (leftmost placement, unchanged base first): chr8-99875416-AG-A. GRCh37 (hg19) VCF-style: chr8-100887644-AG-A.
Identifiers: ClinVar variation 4815934 (VCV004815934.1).